The following is an entry in ClinVar:

NM_020738.4(KIDINS220):c.3333C>T (p.Phe1111=)

Gene: KIDINS220 (kinase D interacting substrate 220; minus strand). Cytogenetic location: 2p25.1.
Variant type: single nucleotide variant.
Coding change: c.3333C>T on transcript NM_020738.4 (MANE Select); coding-DNA position 3333, C replaced by T.
Protein change: p.Phe1111=; no amino-acid change (phenylalanine 1111 retained).
Molecular consequence: synonymous variant. On other transcripts: non-coding transcript variant (2).
Genome position (GRCh38, 1-based): chr2:8,750,193, G>A on the plus strand (C>T on the coding strand, the complement: KIDINS220 is on the minus strand). VCF-style: chr2-8750193-G-A. GRCh37 (hg19) VCF-style: chr2-8890323-G-A.
Other names: c.3336C>T, p.Phe1112= (NM_001348729.2, NM_001348731.2, NM_001348734.2 and 2 more transcripts); c.3333C>T, p.Phe1111= (NM_001348732.2, NM_001348735.2, NM_001348738.2 and 3 more transcripts); c.3207C>T, p.Phe1069= (NM_001348736.2); c.3333C>T (NM_020738.2).
Identifiers: ClinVar variation 3618198 (VCV003618198.3).
Genomic context (GRCh38, chr2:8,750,193, plus strand): 5'-AGGGCCCGTCATGCCGCTGTAATAGCTGCTGTGAGGCTGTGGTGACACCACTCCACCTGC[G>A]AAGGGCCCATTGAAGGACGTGGAAGAGCACACGGATGGGGGCTGGCTGTACCCTGATGGC-3'
Protein context (NP_065789.1, residues 1101-1121): VCSSTSFNGP[Phe1111=]AGGVVSPQPH

ClinVar aggregate classification (germline): Likely benign. Review status: criteria provided, multiple submitters, no conflicts (2 of 4 stars). 2 submissions from 2 submitters: Likely benign (2). Last evaluated 2026-01-29.

Conditions:
KIDINS220-related disorder. Also called: KIDINS220-related condition.

Submissions (2):

Labcorp Genetics (formerly Invitae), Labcorp
Classification: Likely benign. Last evaluated: 2026-01-29. Review status: criteria provided, single submitter. Criteria: Invitae Variant Classification Sherloc (09022015). Collection method: clinical testing. Allele origin: germline.

PreventionGenetics, part of Exact Sciences
Classification: Likely benign for KIDINS220-related condition. Last evaluated: 2025-06-08. Review status: criteria provided, single submitter. Criteria: ACMG Guidelines, 2015. Collection method: clinical testing. Allele origin: germline.
Comment: This variant is classified as likely benign based on ACMG/AMP sequence variant interpretation guidelines (Richards et al. 2015 PMID: 25741868, with internal and published modifications).